The following is an entry in ClinVar:

NM_138694.4(PKHD1):c.2452C>T (p.Gln818Ter)

Gene: PKHD1 (PKHD1 ciliary IPT domain containing fibrocystin/polyductin; minus strand). Cytogenetic location: 6p12.2.
Variant type: single nucleotide variant.
Coding change: c.2452C>T on transcript NM_138694.4 (MANE Select); coding-DNA position 2452, C replaced by T.
Protein change: p.Gln818Ter; replaces glutamine 818 with a stop codon.
Molecular consequence: nonsense.
Genome position (GRCh38, 1-based): chr6:52,046,144, G>A on the plus strand (C>T on the coding strand, the complement: PKHD1 is on the minus strand). VCF-style: chr6-52046144-G-A. GRCh37 (hg19) VCF-style: chr6-51910942-G-A.
Other names: c.2452C>T, p.Gln818Ter (NM_170724.3); short protein forms Q818*.
Identifiers: ClinVar variation 96390 (VCV000096390.17), dbSNP rs398124480, ClinGen allele CA224059.
Genomic context (GRCh38, chr6:52,046,144, plus strand): 5'-CCTTCACAGTGAAGTCACTGGCATTGAGGTACCTGGATGTGAAGTCATCGGCATTATTCT[G>A]TAAGAGCTGGTGAAGGTGATGAGCAGAAATTTGTACAGGGACATCTGTGAGAGAAGGTTT-3'

ClinVar aggregate classification (germline): Pathogenic/Likely pathogenic. Review status: criteria provided, multiple submitters, no conflicts (2 of 4 stars). 7 submissions from 7 submitters: Pathogenic (5); Likely pathogenic (2). Last evaluated 2026-04-02.

Conditions:
PKHD1-related disorder. Also called: PKHD1-related condition.
Polycystic kidney disease 4 (PKD4). Also called: POLYCYSTIC KIDNEY AND HEPATIC DISEASE 1; POLYCYSTIC KIDNEY DISEASE, INFANTILE, TYPE I; POLYCYSTIC KIDNEY DISEASE 4 WITH OR WITHOUT POLYCYSTIC LIVER DISEASE; PKD3; Autosomal Recessive Polycystic Kidney Disease – PKHD1. Identifiers: MedGen C4540575, MONDO:0033004, OMIM 263200.
Autosomal recessive polycystic kidney disease (ARPKD). Also called: AR polycystic kidney disease. Identifiers: Orphanet 731, Orphanet 8378, MedGen C0085548, MeSH D017044, MONDO:0009889.

Allele frequency attached by ClinVar (database versions not stated): gnomAD exomes below 0.00001.
gnomAD v4.1: 4 of 1,613,674 alleles (0.00025%); highest among the groups gnomAD compares: Middle Eastern, 0.017%; no homozygotes.

Submissions (7):

PreventionGenetics, part of Exact Sciences
Classification: Pathogenic for PKHD1-related condition. Last evaluated: 2026-04-02. Review status: criteria provided, single submitter. Criteria: ACMG Guidelines, 2015. Collection method: clinical testing. Allele origin: germline.
Comment: The PKHD1 c.2452C>T variant is predicted to result in premature protein termination (p.Gln818*). To our knowledge, this variant has not been reported in the literature. This variant is absent in a large population database (gnomAD), indicating this variant is rare. Nonsense variants in PKHD1 are an established mechanism of disease. This variant is interpreted as pathogenic.

Natera, Inc.
Classification: Pathogenic for Autosomal recessive polycystic kidney disease. Last evaluated: 2025-12-03. Review status: criteria provided, single submitter. Criteria: Natera Variant Classification Schema (03/2026). Collection method: clinical testing. Allele origin: germline.
Comment: The c.2452C>T variant in PKHD1 is a nonsense variant predicted to introduce a stop codon at amino acid 818. This variant is expected to result in nonsense mediated decay, truncation, or a dysfunctional protein product. This variant is rare in the general population with a frequency below the threshold expected for the associated phenotype(s). This variant has been observed in one or more individuals affected with the associated recessive disease, as either homozygous or compound heterozygous with a second variant (PMID: 38837003). Given the available evidence, this variant is classified as Pathogenic.

Labcorp Genetics (formerly Invitae), Labcorp
Classification: Pathogenic for Autosomal recessive polycystic kidney disease. Last evaluated: 2024-01-15. Review status: criteria provided, single submitter. Criteria: Invitae Variant Classification Sherloc (09022015). Collection method: clinical testing. Allele origin: germline.
Comment: This sequence change creates a premature translational stop signal (p.Gln818*) in the PKHD1 gene. It is expected to result in an absent or disrupted protein product. Loss-of-function variants in PKHD1 are known to be pathogenic (PMID: 19940839). This variant is not present in population databases (gnomAD no frequency). This variant has not been reported in the literature in individuals affected with PKHD1-related conditions. ClinVar contains an entry for this variant (Variation ID: 96390). Algorithms developed to predict the effect of sequence changes on RNA splicing suggest that this variant may create or strengthen a splice site. For these reasons, this variant has been classified as Pathogenic.

Baylor Genetics
Classification: Pathogenic for Polycystic kidney disease 4. Last evaluated: 2022-12-29. Review status: criteria provided, single submitter. Criteria: ACMG Guidelines, 2015. Collection method: clinical testing. Allele origin: unknown.

Fulgent Genetics
Classification: Likely pathogenic for Polycystic kidney disease 4. Last evaluated: 2022-05-03. Review status: criteria provided, single submitter. Criteria: ACMG Guidelines, 2015. Collection method: clinical testing. Allele origin: unknown.

Revvity Omics, Revvity
Classification: Likely pathogenic for Polycystic kidney disease 4. Last evaluated: 2022-01-07. Review status: criteria provided, single submitter. Criteria: ACMG Guidelines, 2015. Collection method: clinical testing. Allele origin: germline.

Eurofins Ntd Llc (ga)
Classification: Pathogenic. Last evaluated: 2015-10-05. Review status: criteria provided, single submitter. Criteria: EGL Classification Definitions. Collection method: clinical testing. Allele origin: germline. Observed: 4 variant alleles, 3 heterozygotes, 2 homozygotes.

Literature cited by the submitters: PubMed 38837003 (cited by Natera, Inc.); PubMed 19940839 (cited by Labcorp Genetics (formerly Invitae), Labcorp).